The following is an entry in ClinVar:

ClinVar aggregate classification (germline): Likely pathogenic (1 of 4 stars; one submission).

Conditions:
Cardiomyopathy, dilated, 2M. Identifiers: MedGen C6012748, MONDO:0979243, OMIM 621261.

Submission:

3billion
Classification: Likely pathogenic for Cardiomyopathy, dilated, 2M. Last evaluated: 2025-06-30. Review status: criteria provided, single submitter. Criteria: ACMG Guidelines, 2015. Collection method: clinical testing. Allele origin: germline. Affected: yes.
Comment: The variant is observed at an extremely low frequency in the gnomAD v4.1.0 dataset (total allele frequency: <0.001%). Predicted Consequence/Location: Stop-gained (nonsense): predicted to result in a loss or disruption of normal protein function through nonsense-mediated decay (NMD) or protein truncation. Multiple pathogenic variants are reported downstream of the variant. Therefore, this variant is classified as Likely pathogenic according to the recommendation of ACMG/AMP guideline.

NM_144573.4(NEXN):c.967_971del (p.Arg322_Glu323insTer)

Gene: NEXN (nexilin F-actin binding protein; plus strand). Cytogenetic location: 1p31.1.
Variant type: Microsatellite.
Coding change: c.967_971del on transcript NM_144573.4 (MANE Select); coding-DNA positions 967 to 971, 5 bases deleted (GAAGA; older notation c.967_971delGAAGA).
Protein change: p.Arg322_Glu323insTer.
Molecular consequence: nonsense.
Genome position (GRCh38, 1-based): chr1:77,929,418-77,929,422, GAAGA deleted; deleting any 5 consecutive bases within chr1:77,929,412-77,929,422 gives the same sequence; the c. name uses the placement nearest the transcript's 3' end. VCF-style (leftmost placement, unchanged base first): chr1-77929411-AAGAAG-A. GRCh37 (hg19) VCF-style: chr1-78395096-AAGAAG-A.
Other names: c.775_779del, p.Arg258_Glu259insTer (NM_001172309.2).
Identifiers: ClinVar variation 4855382 (VCV004855382.1).
Genomic context (GRCh38, chr1:77,929,411, plus strand): 5'-AATTTTTAAAGGGTACCGCCCTGGTAAACTCAAACTCAGTTTTGAAGAAATGGAAAGGCA[AAGAAG>A]AGAAGATGAAAAAAGGAAAGCAGAAGAAGAAGCCAGAAGGAGAATAGAGGAAGAAAAGAA-3'